The following is an entry in ClinVar:

ClinVar aggregate classification (germline): Uncertain significance. Review status: criteria provided, multiple submitters, no conflicts (2 of 4 stars). 4 submissions from 4 submitters: Uncertain significance (4). Last evaluated 2025-12-29.

Conditions:
Inborn genetic diseases. Identifiers: MedGen C0950123, MeSH D030342.

Allele frequency attached by ClinVar (database versions not stated): gnomAD exomes 0.00002; gnomAD 0.00004; TOPMed 0.00005.
gnomAD v4.1: 37 of 1,612,668 alleles (0.0023%); highest among the groups gnomAD compares: Admixed American, 0.017%; no homozygotes.

Submissions (4):

Labcorp Genetics (formerly Invitae), Labcorp
Classification: Uncertain significance. Last evaluated: 2025-12-29. Review status: criteria provided, single submitter. Criteria: Invitae Variant Classification Sherloc (09022015). Collection method: clinical testing. Allele origin: germline.
Comment: This sequence change replaces glycine, which is neutral and non-polar, with glutamic acid, which is acidic and polar, at codon 65 of the COL9A3 protein (p.Gly65Glu). This variant is present in population databases (no rsID available, gnomAD 0.01%). This variant has not been reported in the literature in individuals affected with COL9A3-related conditions. ClinVar contains an entry for this variant (Variation ID: 1201263). Invitae Evidence Modeling of protein sequence and biophysical properties (such as structural, functional, and spatial information, amino acid conservation, physicochemical variation, residue mobility, and thermodynamic stability) indicates that this missense variant is expected to disrupt COL9A3 protein function with a positive predictive value of 95%. In summary, the available evidence is currently insufficient to determine the role of this variant in disease. Therefore, it has been classified as a Variant of Uncertain Significance.

Ambry Genetics
Classification: Uncertain significance for Inborn genetic diseases. Last evaluated: 2025-12-22. Review status: criteria provided, single submitter. Criteria: Ambry Variant Classification Scheme 2023. Collection method: clinical testing. Allele origin: germline.

Blueprint Genetics
Classification: Uncertain significance. Last evaluated: 2022-02-25. Review status: criteria provided, single submitter. Criteria: ACMG Guidelines, 2015. Collection method: clinical testing. Allele origin: germline.

GeneDx
Classification: Uncertain significance. Last evaluated: 2021-04-05. Review status: criteria provided, single submitter. Criteria: GeneDx Variant Classification Process June 2021. Collection method: clinical testing. Allele origin: germline. Affected: yes.
Comment: Has not been previously published as pathogenic or benign to our knowledge; In silico analysis supports that this missense variant has a deleterious effect on protein structure/function

NM_001853.4(COL9A3):c.194G>A (p.Gly65Glu)

Gene: COL9A3 (collagen type IX alpha 3 chain; plus strand). Cytogenetic location: 20q13.33.
Variant type: single nucleotide variant.
Coding change: c.194G>A on transcript NM_001853.4 (MANE Select); coding-DNA position 194, G replaced by A.
Protein change: p.Gly65Glu; replaces glycine 65 with glutamic acid.
Molecular consequence: missense variant.
Genome position (GRCh38, 1-based): chr20:62,819,232, G>A. VCF-style: chr20-62819232-G-A. GRCh37 (hg19) VCF-style: chr20-61450584-G-A.
Other names: short protein forms G65E.
Identifiers: ClinVar variation 1201263 (VCV001201263.14), dbSNP rs911107185, ClinGen allele CA317322619.